The following is an entry in ClinVar:

ClinVar aggregate classification (germline): Pathogenic. Review status: criteria provided, multiple submitters, no conflicts (2 of 4 stars). 2 submissions from 2 submitters: Pathogenic (2). Last evaluated 2026-05-15.

Conditions:
Cardiovascular phenotype. Identifiers: MedGen CN230736.
Hereditary cancer-predisposing syndrome. Also called: Hereditary neoplastic syndrome; Tumor predisposition; Hereditary Cancer Syndrome; Neoplastic Syndromes, Hereditary. Identifiers: Orphanet 140162, MedGen C0027672, MeSH D009386, MONDO:0015356.

Submissions (2):

Ambry Genetics
Classification: Pathogenic for Cardiovascular phenotype; Hereditary cancer-predisposing syndrome. Last evaluated: 2026-05-15. Review status: criteria provided, single submitter. Criteria: Ambry Variant Classification Scheme 2023. Collection method: clinical testing. Allele origin: germline.
Comment: The c.1951delC pathogenic mutation, located in coding exon 17 of the LZTR1 gene, results from a deletion of one nucleotide at nucleotide position 1951, causing a translational frameshift with a predicted alternate stop codon (p.L651*). This alteration is expected to result in loss of function by premature protein truncation or nonsense-mediated mRNA decay. Loss-of-function variants in LZTR1 are related to an increased risk for schwannomas and autosomal recessive Noonan syndrome; however, such associations with autosomal dominant Noonan syndrome have not been observed (Piotrowski A et al. Nat Genet. 2014 Feb;46:182-7; Yamamoto GL et al. J Med Genet. 2015 Jun;52:413-21; Johnston JJ et al. Genet Med. 2018 10;20:1175-1185). Based on the supporting evidence, this variant is pathogenic for an increased risk of LZTR1-related schwannomatosis (SWN) and would be expected to cause autosomal recessive Noonan syndrome when present along with a second pathogenic or likely pathogenic variant on the other allele; however, the association of this variant with autosomal dominant Noonan syndrome is unlikely.

Labcorp Genetics (formerly Invitae), Labcorp
Classification: Pathogenic. Last evaluated: 2024-11-18. Review status: criteria provided, single submitter. Criteria: Invitae Variant Classification Sherloc (09022015). Collection method: clinical testing. Allele origin: germline.
Comment: This sequence change creates a premature translational stop signal (p.Leu651*) in the LZTR1 gene. It is expected to result in an absent or disrupted protein product. Loss-of-function variants in LZTR1 are known to be pathogenic (PMID: 24362817, 25335493, 25480913, 25795793, 29469822, 30368668, 30442762, 30442766, 30481304, 30859559). This variant is not present in population databases (gnomAD no frequency). This variant has not been reported in the literature in individuals affected with LZTR1-related conditions. For these reasons, this variant has been classified as Pathogenic.

Literature cited by the submitters: PubMed 24362817 (cited by Labcorp Genetics (formerly Invitae), Labcorp); PubMed 25335493 (cited by Labcorp Genetics (formerly Invitae), Labcorp); PubMed 25480913 (cited by Labcorp Genetics (formerly Invitae), Labcorp); PubMed 25795793 (cited by Labcorp Genetics (formerly Invitae), Labcorp); PubMed 29469822 (cited by Labcorp Genetics (formerly Invitae), Labcorp); PubMed 30368668 (cited by Labcorp Genetics (formerly Invitae), Labcorp); PubMed 30442762 (cited by Labcorp Genetics (formerly Invitae), Labcorp); PubMed 30442766 (cited by Labcorp Genetics (formerly Invitae), Labcorp); PubMed 30481304 (cited by Labcorp Genetics (formerly Invitae), Labcorp); PubMed 30859559 (cited by Labcorp Genetics (formerly Invitae), Labcorp).

NM_006767.4(LZTR1):c.1951del (p.Ser650_Leu651insTer)

Gene: LZTR1 (leucine zipper like post translational regulator 1; plus strand). Cytogenetic location: 22q11.21.
Variant type: Deletion.
Coding change: c.1951del on transcript NM_006767.4 (MANE Select); coding-DNA position 1951, one base deleted (C; older notation c.1951delC).
Protein change: p.Ser650_Leu651insTer.
Molecular consequence: nonsense.
Genome position (GRCh38, 1-based): chr22:20,995,754, C deleted. VCF-style (leftmost placement, unchanged base first): chr22-20995753-TC-T. GRCh37 (hg19) VCF-style: chr22-21350042-TC-T.
Other names: c.1951delC (NM_006767.3).
Identifiers: ClinVar variation 3678801 (VCV003678801.3).